The following is an entry in ClinVar:

NM_000535.7(PMS2):c.1150_1151del (p.Leu384fs)

Gene: PMS2 (PMS1 homolog 2, mismatch repair system component; minus strand). Cytogenetic location: 7p22.1.
Variant type: Deletion.
Coding change: c.1150_1151del on transcript NM_000535.7 (MANE Select); coding-DNA positions 1150 to 1151, 2 bases deleted (TT; older notation c.1150_1151delTT).
Protein change: p.Leu384fs; shifts the reading frame from leucine 384.
Molecular consequence: frameshift variant. On other transcripts: non-coding transcript variant (1).
Genome position (GRCh38, 1-based): chr7:5,987,614-5,987,615, AA deleted on the plus strand (TT on the coding strand, the reverse complement: PMS2 is on the minus strand). VCF-style (leftmost placement, unchanged base first): chr7-5987613-TAA-T. GRCh37 (hg19) VCF-style: chr7-6027244-TAA-T.
Other names: c.745_746del, p.Leu249fs (NM_001322003.2, NM_001322004.2, NM_001322005.2 and 1 more transcripts); c.994_995del, p.Leu332fs (NM_001322006.2); c.832_833del, p.Leu278fs (NM_001322007.2, NM_001322008.2); c.589_590del, p.Leu197fs (NM_001322010.2); c.217_218del, p.Leu73fs (NM_001322011.2, NM_001322012.2); c.577_578del, p.Leu193fs (NM_001322013.2); c.1150_1151del, p.Leu384fs (NM_001322014.2); c.841_842del, p.Leu281fs (NM_001322015.2); short protein forms L193fs, L197fs, L249fs, L278fs, L281fs, L332fs, L384fs, L73fs.
Identifiers: ClinVar variation 1170976 (VCV001170976.4), dbSNP rs2128737358, ClinGen allele CA2499218964.

ClinVar aggregate classification (germline): Pathogenic. Review status: criteria provided, multiple submitters, no conflicts (2 of 4 stars). 2 submissions from 2 submitters: Pathogenic (2). Last evaluated 2022-07-11.

Conditions:
Hereditary cancer-predisposing syndrome. Also called: Tumor predisposition; Hereditary neoplastic syndrome; Hereditary Cancer Syndrome; Neoplastic Syndromes, Hereditary. Identifiers: Orphanet 140162, MedGen C0027672, MeSH D009386, MONDO:0015356.

Submissions (2):

Ambry Genetics
Classification: Pathogenic for Hereditary cancer-predisposing syndrome. Last evaluated: 2022-07-11. Review status: criteria provided, single submitter. Criteria: Ambry Variant Classification Scheme 2023. Collection method: clinical testing. Allele origin: germline.
Comment: The c.1150_1151delTT pathogenic mutation, located in coding exon 11 of the PMS2 gene, results from a deletion of two nucleotides at nucleotide positions 1150 to 1151, causing a translational frameshift with a predicted alternate stop codon (p.L384Nfs*73). This variant is considered to be rare based on population cohorts in the Genome Aggregation Database (gnomAD). This alteration is expected to result in loss of function by premature protein truncation or nonsense-mediated mRNA decay. As such, this alteration is interpreted as a disease-causing mutation.

Color Diagnostics, LLC DBA Color Health
Classification: Pathogenic for Hereditary cancer-predisposing syndrome. Last evaluated: 2020-10-30. Review status: criteria provided, single submitter. Criteria: ACMG Guidelines, 2015. Collection method: clinical testing. Allele origin: germline.
Comment: This variant deletes 2 nucleotides in exon 11 of the PMS2 gene, creating a frameshift and premature translation stop signal. This variant is expected to result in an absent or non-functional protein product. To our knowledge, this variant has not been reported in individuals affected with hereditary cancer in the literature. This variant has not been identified in the general population by the Genome Aggregation Database (gnomAD). Loss of PMS2 function is a known mechanism of disease. Based on the available evidence, this variant is classified as Pathogenic.